The following is an entry in ClinVar:

NM_020247.5(COQ8A):c.97G>A (p.Gly33Arg)

Gene: COQ8A (coenzyme Q8A; plus strand). Cytogenetic location: 1q42.13.
Variant type: single nucleotide variant.
Coding change: c.97G>A on transcript NM_020247.5 (MANE Select); coding-DNA position 97, G replaced by A.
Protein change: p.Gly33Arg; replaces glycine 33 with arginine.
Molecular consequence: missense variant.
Genome position (GRCh38, 1-based): chr1:226,961,482, G>A. VCF-style: chr1-226961482-G-A. GRCh37 (hg19) VCF-style: chr1-227149183-G-A.
Other names: p.G33R:GGA>AGA; short protein forms G33R.
Identifiers: ClinVar variation 214038 (VCV000214038.11), dbSNP rs552784842, ClinGen allele CA321854.

ClinVar aggregate classification (germline): Uncertain significance. Review status: criteria provided, multiple submitters, no conflicts (2 of 4 stars). 4 submissions from 4 submitters: Uncertain significance (4). Last evaluated 2025-10-06.

Allele frequency attached by ClinVar (database versions not stated): 1000 Genomes Project 30x 0.00016; ExAC 0.00029; gnomAD below 0.00001 and 0.00007; 1000 Genomes Project 0.00020; TOPMed 0.00003; gnomAD exomes 0.00027.

Submissions (4):

Athena Diagnostics
Classification: Uncertain significance. Last evaluated: 2025-10-06. Review status: criteria provided, single submitter. Criteria: Athena Diagnostics Criteria. Collection method: clinical testing. Allele origin: unknown.
Comment: Available data are insufficient to determine the clinical significance of the variant at this time. The frequency of this variant in the general population is higher than would generally be expected for pathogenic variants in this gene. Polyphen and MutationTaster predict this amino acid change may be benign.

Women's Health and Genetics/Laboratory Corporation of America, LabCorp
Classification: Uncertain significance. Last evaluated: 2024-11-07. Review status: criteria provided, single submitter. Criteria: LabCorp Variant Classification Summary - May 2015. Collection method: clinical testing. Allele origin: germline.
Comment: Variant summary: COQ8A c.97G>A (p.Gly33Arg) results in a non-conservative amino acid change in the encoded protein sequence. Three of four in-silico tools predict a damaging effect of the variant on protein function. The variant allele was found at a frequency of 0.00027 in 251078 control chromosomes (gnomAD). To our knowledge, no occurrence of c.97G>A in individuals affected with Autosomal Recessive Ataxia Due To Ubiquinone Deficiency and no experimental evidence demonstrating its impact on protein function have been reported. ClinVar contains an entry for this variant (Variation ID: 214038). Based on the evidence outlined above, the variant was classified as uncertain significance.

GeneDx
Classification: Uncertain significance. Last evaluated: 2024-10-21. Review status: criteria provided, single submitter. Criteria: GeneDx Variant Classification Process June 2021. Collection method: clinical testing. Allele origin: germline. Affected: yes.
Comment: Has not been previously published as pathogenic or benign to our knowledge; In silico analysis indicates that this missense variant does not alter protein structure/function

Labcorp Genetics (formerly Invitae), Labcorp
Classification: Uncertain significance. Last evaluated: 2022-07-14. Review status: criteria provided, single submitter. Criteria: Invitae Variant Classification Sherloc (09022015). Collection method: clinical testing. Allele origin: germline.
Comment: This sequence change replaces glycine, which is neutral and non-polar, with arginine, which is basic and polar, at codon 33 of the COQ8A protein (p.Gly33Arg). This variant is present in population databases (rs552784842, gnomAD 0.2%). This variant has not been reported in the literature in individuals affected with COQ8A-related conditions. ClinVar contains an entry for this variant (Variation ID: 214038). Advanced modeling of protein sequence and biophysical properties (such as structural, functional, and spatial information, amino acid conservation, physicochemical variation, residue mobility, and thermodynamic stability) performed at Invitae indicates that this missense variant is expected to disrupt COQ8A protein function. In summary, the available evidence is currently insufficient to determine the role of this variant in disease. Therefore, it has been classified as a Variant of Uncertain Significance.